The following is an entry in ClinVar:

ClinVar aggregate classification (germline): Likely pathogenic (1 of 4 stars; one submission).

Conditions:
Fabry disease. Also called: ALPHA-GALACTOSIDASE A DEFICIENCY; ANDERSON-FABRY DISEASE; CERAMIDE TRIHEXOSIDASE DEFICIENCY; GLA DEFICIENCY; HEREDITARY DYSTOPIC LIPIDOSIS; Angiokeratoma corporis diffusum. Identifiers: Orphanet 324, MedGen C0002986, MONDO:0010526, OMIM 301500, HP:0001071. Disease mechanism: Fabry disease is due to inactivating mutations in the X-linked GLA gene resulting in deficiency of the enzyme Alpha Galactosidase-A., loss of function.

Submission:

Genomenon, Inc
Classification: Likely pathogenic for Fabry disease. Last evaluated: 2026-09-08. Review status: criteria provided, single submitter. Criteria: Genomenon Sequence Variant Interpretation Standards - Updated. Collection method: curation. Allele origin: germline. Affected: yes.
Comment: GLA p.Ile317Asn (c.950T>A) is a missense variant that changes the amino acid at codon 317 from Isoleucine to Asparagine. This variant has been observed in at least one proband with clinical features consistent with Fabry disease (PMID:14505049). The variant was found to segregate with disease in at least one affected family (PMID:14505049). At least one functional study has demonstrated a substantial alteration in protein function relative to the wild-type (PMID:27657681). It is absent or not present at a significant frequency in gnomAD. In silico models predict that this variant is possibly or probably damaging. In conclusion, we classify GLA p.Ile317Asn (c.950T>A) as a likely pathogenic variant.

Literature cited by the submitters: PubMed 14505049; PubMed 27657681.

NM_000169.3(GLA):c.950T>A (p.Ile317Asn)

Genes: GLA (galactosidase alpha; minus strand), RPL36A-HNRNPH2 (RPL36A-HNRNPH2 readthrough; plus strand). Cytogenetic location: Xq22.1.
Variant type: single nucleotide variant.
Coding change: c.950T>A on transcript NM_000169.3 (MANE Select); coding-DNA position 950, T replaced by A.
Protein change: p.Ile317Asn; replaces isoleucine 317 with asparagine.
Molecular consequence: missense variant. On other transcripts: non-coding transcript variant (3), intron variant (2).
Genome position (GRCh38, 1-based): chrX:101,398,419, A>T on the plus strand (T>A on the coding strand, the complement: GLA is on the minus strand). VCF-style: chrX-101398419-A-T. GRCh37 (hg19) VCF-style: chrX-100653407-A-T.
Other names: c.1073T>A, p.Ile358Asn (NM_001406747.1); c.950T>A, p.Ile317Asn (NM_001406748.1); c.300+2962A>T (NM_001199973.2); c.177+6597A>T (NM_001199974.2); short protein forms I317N, I358N.
Identifiers: ClinVar variation 4087598 (VCV004087598.2).